The following is an entry in ClinVar:

ClinVar aggregate classification (germline): Uncertain significance (1 of 4 stars; one submission).

Allele frequency attached by ClinVar (database versions not stated): TOPMed below 0.00001; gnomAD exomes 0.00001.
gnomAD v4.1: 16 of 1,613,392 alleles (0.00099%); highest among the groups gnomAD compares: Non-Finnish European, 0.0013%; no homozygotes.

Submission:

Women's Health and Genetics/Laboratory Corporation of America, LabCorp
Classification: Uncertain significance. Last evaluated: 2024-04-29. Review status: criteria provided, single submitter. Criteria: LabCorp Variant Classification Summary - May 2015. Collection method: clinical testing. Allele origin: germline.
Comment: Variant summary: PMM2 c.653A>G (p.His218Arg) results in a non-conservative amino acid change in the encoded protein sequence. Four of five in-silico tools predict a damaging effect of the variant on protein function. The variant allele was found at a frequency of 4e-06 in 251246 control chromosomes. The available data on variant occurrences in the general population are insufficient to allow any conclusion about variant significance. To our knowledge, no occurrence of c.653A>G in individuals affected with Congenital Disorder Of Glycosylation Type 1a and no experimental evidence demonstrating its impact on protein function have been reported. No submitters have cited clinical-significance assessments for this variant to ClinVar. Based on the evidence outlined above, the variant was classified as uncertain significance.

NM_000303.3(PMM2):c.653A>G (p.His218Arg)

Gene: PMM2 (phosphomannomutase 2; plus strand). Cytogenetic location: 16p13.2.
Variant type: single nucleotide variant.
Coding change: c.653A>G on transcript NM_000303.3 (MANE Select); coding-DNA position 653, A replaced by G.
Protein change: p.His218Arg; replaces histidine 218 with arginine.
Molecular consequence: missense variant.
Genome position (GRCh38, 1-based): chr16:8,847,737, A>G. VCF-style: chr16-8847737-A-G. GRCh37 (hg19) VCF-style: chr16-8941594-A-G.
Other names: short protein forms H218R.
Identifiers: ClinVar variation 3251582 (VCV003251582.1), dbSNP rs80338705.
Genomic context (GRCh38, chr16:8,847,737, plus strand): 5'-CGGGACAGACGAGGGGGAGCCTTCATCTGTACTTCGTGTCTTTCCAGGGTGGCAATGACC[A>G]TGAGATCTTCACAGACCCCAGAACCATGGGCTACTCCGTGACAGCGCCTGAGGACACGCG-3'
Protein context (NP_000294.1, residues 208-228): GDKTMPGGND[His218Arg]EIFTDPRTMG